The following is an entry in ClinVar:

NM_001184880.2(PCDH19):c.3065T>C (p.Val1022Ala)

Gene: PCDH19 (protocadherin 19; minus strand). Cytogenetic location: Xq22.1.
Variant type: single nucleotide variant.
Coding change: c.3065T>C on transcript NM_001184880.2 (MANE Select); coding-DNA position 3065, T replaced by C.
Protein change: p.Val1022Ala; replaces valine 1022 with alanine.
Molecular consequence: missense variant.
Genome position (GRCh38, 1-based): chrX:100,296,659, A>G on the plus strand (T>C on the coding strand, the complement: PCDH19 is on the minus strand). VCF-style: chrX-100296659-A-G. GRCh37 (hg19) VCF-style: chrX-99551657-A-G.
Other names: c.3065T>C (NM_001184880.1); c.2924T>C, p.Val975Ala (NM_001105243.2); c.2921T>C, p.Val974Ala (NM_020766.3); short protein forms V974A, V1022A, V975A.
Identifiers: ClinVar variation 2813534 (VCV002813534.4), dbSNP rs2520447081, ClinGen allele CA414000525.

ClinVar aggregate classification (germline): Uncertain significance. Review status: criteria provided, single submitter (1 of 4 stars). 2 submissions from 2 submitters: Uncertain significance (1). 1 of the submissions does not count toward it. Last evaluated 2024-02-13.

Conditions:
PCDH19-related disorder. Also called: PCDH19-related condition.
Developmental and epileptic encephalopathy, 9 (DEE9). Also called: Early infantile epileptic encephalopathy 9; JUBERG-HELLMAN SYNDROME; PCDH19-Related X-Linked Female-Limited Epilepsy with Mental Retardation; EPILEPSY, FEMALE-RESTRICTED, WITH MENTAL RETARDATION. Identifiers: Orphanet 101039, Orphanet 2076, MedGen C1848137, MONDO:0010246, OMIM 300088. Disease mechanism: loss of function.

Submissions (2):

Labcorp Genetics (formerly Invitae), Labcorp
Classification: Uncertain significance for Developmental and epileptic encephalopathy, 9. Last evaluated: 2024-02-13. Review status: criteria provided, single submitter. Criteria: Invitae Variant Classification Sherloc (09022015). Collection method: clinical testing. Allele origin: germline.
Comment: This sequence change replaces valine, which is neutral and non-polar, with alanine, which is neutral and non-polar, at codon 1022 of the PCDH19 protein (p.Val1022Ala). This variant is not present in population databases (gnomAD no frequency). This variant has not been reported in the literature in individuals affected with PCDH19-related conditions. Advanced modeling of protein sequence and biophysical properties (such as structural, functional, and spatial information, amino acid conservation, physicochemical variation, residue mobility, and thermodynamic stability) performed at Invitae indicates that this missense variant is not expected to disrupt PCDH19 protein function with a negative predictive value of 95%. In summary, the available evidence is currently insufficient to determine the role of this variant in disease. Therefore, it has been classified as a Variant of Uncertain Significance.

PreventionGenetics, part of Exact Sciences
Classification: Uncertain significance for PCDH19-related condition. Last evaluated: 2024-05-09. Review status: no assertion criteria provided. Collection method: clinical testing. Allele origin: germline. Not counted in ClinVar's aggregate classification.
Comment: The PCDH19 c.3065T>C variant is predicted to result in the amino acid substitution p.Val1022Ala. To our knowledge, this variant has not been reported in the literature or in a large population database, indicating this variant is rare. At this time, the clinical significance of this variant is uncertain due to the absence of conclusive functional and genetic evidence.